The following is an entry in ClinVar:

NM_000228.3(LAMB3):c.2944del (p.Asp982fs)

Gene: LAMB3 (laminin subunit beta 3; minus strand). Cytogenetic location: 1q32.2.
Variant type: Deletion.
Coding change: c.2944del on transcript NM_000228.3 (MANE Select); coding-DNA position 2944, one base deleted (G; older notation c.2944delG).
Protein change: p.Asp982fs; shifts the reading frame from aspartic acid 982.
Molecular consequence: frameshift variant.
Genome position (GRCh38, 1-based): chr1:209,618,014, C deleted on the plus strand (G on the coding strand, the reverse complement: LAMB3 is on the minus strand). VCF-style (leftmost placement, unchanged base first): chr1-209618013-TC-T. GRCh37 (hg19) VCF-style: chr1-209791358-TC-T.
Other names: c.2944del, p.Asp982fs (NM_001017402.2, NM_001127641.1); short protein forms D982fs.
Identifiers: ClinVar variation 5012907 (VCV005012907.1).

ClinVar aggregate classification (germline): Pathogenic (1 of 4 stars; one submission).

Conditions:
Junctional epidermolysis bullosa. Identifiers: Orphanet 305, MedGen C0079301, MONDO:0017612.

Submission:

Myriad Genetics, Inc.
Classification: Pathogenic for Junctional epidermolysis bullosa. Last evaluated: 2024-04-09. Review status: criteria provided, single submitter. Criteria: Myriad Autosomal Dominant, Autosomal Recessive and X-Linked Classification Criteria (2023). Collection method: clinical testing. Allele origin: unknown.
Comment: NM_000228.2(LAMB3):c.2944delG(D982Mfs*48) is expected to be pathogenic in the context of junctional epidermolysis bullosa, LAMB3-related. This variant is predicted to lead to an abnormal or absent protein product due to the creation of a premature termination codon in LAMB3, a gene where loss-of-function variants are known to be pathogenic. Please note: this variant was assessed in the context of healthy population screening.